The following is an entry in ClinVar:

ClinVar aggregate classification (germline): Benign/Likely benign. Review status: criteria provided, multiple submitters, no conflicts (2 of 4 stars). 12 submissions from 11 submitters: Benign (9); Likely benign (3). Last evaluated 2026-02-03.

Conditions:
Hereditary cancer-predisposing syndrome. Also called: Tumor predisposition; Hereditary neoplastic syndrome; Neoplastic Syndromes, Hereditary; Hereditary Cancer Syndrome. Identifiers: Orphanet 140162, MedGen C0027672, MeSH D009386, MONDO:0015356.
Fumarase deficiency (FMRD). Also called: Fumarate Hydratase Deficiency; Fumaric aciduria. Identifiers: Orphanet 24, MedGen C0342770, MONDO:0011730, OMIM 606812.
Hereditary leiomyomatosis and renal cell cancer. Also called: FH tumor predisposition syndrome; LEIOMYOMA, MULTIPLE CUTANEOUS; MULTIPLE CUTANEOUS AND UTERINE LEIOMYOMATA 1, WITH OR WITHOUT RENAL CELL CARCINOMA; Reed syndrome; Multiple cutaneous and uterine leiomyomatosis; Cutaneous leiomyomata with uterine leiomyomata. Identifiers: Orphanet 523, MedGen C1708350, MONDO:0007888, OMIM 150800, HP:0007437. Disease mechanism: loss of function.

Allele frequency attached by ClinVar (database versions not stated): gnomAD exomes 0.00053 and 0.00157; ExAC 0.00168; 1000 Genomes Project 0.00599; 1000 Genomes Project 30x 0.00609; ESP Exome Variant Server 0.00638; TOPMed 0.00655.
gnomAD v4.1: 1,660 of 1,613,790 alleles (0.1%); highest among the groups gnomAD compares: African/African-American, 2%; 16 homozygotes.

Submissions (12):

Labcorp Genetics (formerly Invitae), Labcorp
Classification: Benign. Last evaluated: 2026-02-03. Review status: criteria provided, single submitter. Criteria: Invitae Variant Classification Sherloc (09022015). Collection method: clinical testing. Allele origin: germline.

Center for Genomic Medicine, Rigshospitalet, Copenhagen University Hospital
Classification: Benign. Last evaluated: 2025-03-04. Review status: criteria provided, single submitter. Criteria: ACMG Guidelines, 2015. Collection method: clinical testing. Allele origin: germline.

Blueprint Genetics
Classification: Likely benign. Last evaluated: 2024-11-06. Review status: criteria provided, single submitter. Criteria: ACMG Guidelines, 2015. Collection method: clinical testing. Allele origin: germline.

ARUP Laboratories, Molecular Genetics and Genomics, ARUP Laboratories
Classification: Benign. Last evaluated: 2024-09-14. Review status: criteria provided, single submitter. Criteria: ARUP Molecular Germline Variant Investigation Process 2024. Collection method: clinical testing. Allele origin: germline.

Department of Pathology and Laboratory Medicine, Sinai Health System
Classification: Benign for hereditary leiomyomatosis and renal cell cancer. Last evaluated: 2023-11-10. Review status: criteria provided, single submitter. Criteria: ACMG Guidelines, 2015. Collection method: clinical testing. Allele origin: germline. Affected: yes.

KCCC/NGS Laboratory, Kuwait Cancer Control Center
Classification: Benign for Hereditary leiomyomatosis and renal cell cancer. Last evaluated: 2023-07-07. Review status: criteria provided, single submitter. Criteria: ACMG Guidelines, 2015. Collection method: clinical testing. Allele origin: germline. Affected: yes.

Fulgent Genetics
Classification: Likely benign for Hereditary leiomyomatosis and renal cell cancer; Fumarase deficiency. Last evaluated: 2021-10-14. Review status: criteria provided, single submitter. Criteria: ACMG Guidelines, 2015. Collection method: clinical testing. Allele origin: unknown.

Illumina Laboratory Services, Illumina
Classification: Benign for Hereditary leiomyomatosis and renal cell cancer. Last evaluated: 2018-01-13. Review status: criteria provided, single submitter. Criteria: ICSL Variant Classification Criteria 13 December 2019. Collection method: clinical testing. Allele origin: germline.
Comment: This variant was observed in the ICSL laboratory as part of a predisposition screen in an ostensibly healthy population. It had not been previously curated by ICSL or reported in the Human Gene Mutation Database (HGMD: prior to June 1st, 2018), and was therefore a candidate for classification through an automated scoring system. Utilizing variant allele frequency, disease prevalence and penetrance estimates, and inheritance mode, an automated score was calculated to assess if this variant is too frequent to cause the disease. Based on the score and internal cut-off values, a variant classified as benign is not then subjected to further curation. The score for this variant resulted in a classification of benign for this disease.

Illumina Laboratory Services, Illumina
Classification: Benign for Fumarase deficiency. Last evaluated: 2018-01-13. Review status: criteria provided, single submitter. Criteria: ICSL Variant Classification Criteria 13 December 2019. Collection method: clinical testing. Allele origin: germline.
Comment: the same text as in the submission from Illumina Laboratory Services, Illumina above.

Women's Health and Genetics/Laboratory Corporation of America, LabCorp
Classification: Benign. Last evaluated: 2016-05-04. Review status: criteria provided, single submitter. Criteria: LabCorp Variant Classification Summary - May 2015. Collection method: clinical testing. Allele origin: germline.
Comment: Variant summary: The FH variant, c.1236+14C>T is located at a non-conserved intronic position, not widely known, to affect splicing with 5/5 in silico programs via Alamut predicting no significant effect on splicing, although these predictions have yet to be functionally assessed. The variant of interest was observed in the large, broad control population, ExAC, with an allele frequency of 203/121102 (1/596 including 1 homozygote), predominantly in the African cohort, 183/10348 (1/56, 1 homozygote), which exceeds the estimated maximum expected allele frequency for a pathogenic FH variant of 1/400000. Therefore, suggesting that the variant of interest is a common polymorphism found in population(s) of African origin. The variant of interest, to our knowledge, has not been reported in affected individuals via publications. A reputable clinical laboratory cites the variant as "benign." Therefore, the variant of interest is classified as Benign.

Ambry Genetics
Classification: Likely benign for Hereditary cancer-predisposing syndrome. Last evaluated: 2015-09-29. Review status: criteria provided, single submitter. Criteria: Ambry Variant Classification Scheme 2023. Collection method: clinical testing. Allele origin: germline.

GeneDx
Classification: Benign. Last evaluated: 2013-11-02. Review status: criteria provided, single submitter. Criteria: GeneDx Variant Classification (06012015). Collection method: clinical testing. Allele origin: germline. Affected: yes.
Comment: This variant is considered likely benign or benign based on one or more of the following criteria: it is a conservative change, it occurs at a poorly conserved position in the protein, it is predicted to be benign by multiple in silico algorithms, and/or has population frequency not consistent with disease.

NM_000143.4(FH):c.1236+14C>T

Gene: FH (fumarate hydratase; minus strand). Cytogenetic location: 1q43.
Variant type: single nucleotide variant.
Coding change: c.1236+14C>T on transcript NM_000143.4 (MANE Select); 14 bases into the intron after coding-DNA position 1236, C replaced by T.
Molecular consequence: intron variant.
Genome position (GRCh38, 1-based): chr1:241,502,429, G>A on the plus strand (C>T on the coding strand, the complement: FH is on the minus strand). VCF-style: chr1-241502429-G-A. GRCh37 (hg19) VCF-style: chr1-241665729-G-A.
Identifiers: ClinVar variation 137371 (VCV000137371.26), dbSNP rs149241949, ClinGen allele CA290930.